The following is an entry in ClinVar:

ClinVar aggregate classification (germline): Uncertain significance. Review status: criteria provided, single submitter (1 of 4 stars). 2 submissions from 2 submitters: Uncertain significance (1). 1 of the submissions does not count toward it. Last evaluated 2022-02-13.

Conditions:
Fanconi anemia (FA). Also called: Fanconi's anemia. Identifiers: Orphanet 84, MedGen C0015625, MeSH D005199, MONDO:0019391.
Fanconi anemia complementation group I (FANCI). Also called: FANCI-Related Fanconi Anemia. Identifiers: Orphanet 84, MedGen C1836861, MONDO:0012186, OMIM 609053.

Allele frequency attached by ClinVar (database versions not stated): gnomAD exomes 0.00003.
gnomAD v4.1: 39 of 1,613,850 alleles (0.0024%); highest among the groups gnomAD compares: Non-Finnish European, 0.0033%; no homozygotes.

Submissions (2):

Labcorp Genetics (formerly Invitae), Labcorp
Classification: Uncertain significance for Fanconi anemia. Last evaluated: 2022-02-13. Review status: criteria provided, single submitter. Criteria: Invitae Variant Classification Sherloc (09022015). Collection method: clinical testing. Allele origin: germline.
Comment: This sequence change falls in intron 28 of the FANCI gene. It does not directly change the encoded amino acid sequence of the FANCI protein. It affects a nucleotide within the consensus splice site. This variant is not present in population databases (gnomAD no frequency). This variant has not been reported in the literature in individuals affected with FANCI-related conditions. ClinVar contains an entry for this variant (Variation ID: 929731). Variants that disrupt the consensus splice site are a relatively common cause of aberrant splicing (PMID: 17576681, 9536098). Algorithms developed to predict the effect of sequence changes on RNA splicing suggest that this variant may disrupt the consensus splice site. In summary, the available evidence is currently insufficient to determine the role of this variant in disease. Therefore, it has been classified as a Variant of Uncertain Significance.

Leiden Open Variation Database
Classification: Pathogenic for Fanconi anemia complementation group I. Last evaluated: 2012-01-20. Review status: no assertion criteria provided. Collection method: curation. Allele origin: germline. Affected: yes. Not counted in ClinVar's aggregate classification.
Comment: Curator: Arleen D. Auerbach. Submitter to LOVD: Arleen D. Auerbach.

Literature cited by the submitters: PubMed 17576681 (cited by Labcorp Genetics (formerly Invitae), Labcorp); PubMed 9536098 (cited by Labcorp Genetics (formerly Invitae), Labcorp).

NM_001113378.2(FANCI):c.3058+4A>G

Gene: FANCI (FA complementation group I; plus strand). Cytogenetic location: 15q26.1.
Variant type: single nucleotide variant.
Coding change: c.3058+4A>G on transcript NM_001113378.2 (MANE Select); 4 bases into the intron after coding-DNA position 3058, A replaced by G.
Molecular consequence: intron variant.
Genome position (GRCh38, 1-based): chr15:89,303,919, A>G. VCF-style: chr15-89303919-A-G. GRCh37 (hg19) VCF-style: chr15-89847150-A-G.
Other names: c.2878+4A>G (NM_018193.3); c.3058+4A>G (NM_001376911.1); c.2779+4A>G (NM_001376910.1).
Identifiers: ClinVar variation 929731 (VCV000929731.3), dbSNP rs2054616468, ClinGen allele CA1139664147.
Genomic context (GRCh38, chr15:89,303,919, plus strand): 5'-TTTAGTTTGTGCAGATGTTATCCTGGACATCAAAGATTTGCAAGGAAAACAGCCGGGGTA[A>G]GTTTACTGCCATGTTTTCCTAAAGGCTTTATATAAAATCACTATCCTCCAGTGGCATTTG-3'